The following is an entry in ClinVar:

ClinVar aggregate classification (germline): Uncertain significance (1 of 4 stars; one submission).

Conditions:
RYR1-related disorder. Also called: RYR1-related condition; RYR1-related disorders. Identifiers: MedGen CN239331.

Submission:

Labcorp Genetics (formerly Invitae), Labcorp
Classification: Uncertain significance for RYR1-related disorder. Last evaluated: 2024-01-22. Review status: criteria provided, single submitter. Criteria: Invitae Variant Classification Sherloc (09022015). Collection method: clinical testing. Allele origin: germline.
Comment: This variant, c.6497_6520del, results in the deletion of 9 and insertion of 1 amino acid(s) of the RYR1 protein (p.Leu2166_Glu2174delinsGln), but otherwise preserves the integrity of the reading frame. This variant is not present in population databases (gnomAD no frequency). This variant has not been reported in the literature in individuals affected with RYR1-related conditions. Experimental studies and prediction algorithms are not available or were not evaluated, and the functional significance of this variant is currently unknown. In summary, the available evidence is currently insufficient to determine the role of this variant in disease. Therefore, it has been classified as a Variant of Uncertain Significance.

NM_000540.3(RYR1):c.6497_6520del (p.Leu2166_Glu2174delinsGln)

Gene: RYR1 (ryanodine receptor 1; plus strand). Cytogenetic location: 19q13.2.
Variant type: Deletion.
Coding change: c.6497_6520del on transcript NM_000540.3 (MANE Select); coding-DNA positions 6497 to 6520, 24 bases deleted (TCATCGTGCAGATGGGCCCCCAGG).
Protein change: p.Leu2166_Glu2174delinsGln.
Molecular consequence: inframe indel.
Genome position (GRCh38, 1-based): chr19:38,494,574-38,494,597, TCATCGTGCAGATGGGCCCCCAGG deleted. VCF-style (leftmost placement, unchanged base first): chr19-38494573-CTCATCGTGCAGATGGGCCCCCAGG-C. GRCh37 (hg19) VCF-style: chr19-38985213-CTCATCGTGCAGATGGGCCCCCAGG-C.
Other names: c.6497_6520del, p.Leu2166_Glu2174delinsGln (NM_001042723.2).
Identifiers: ClinVar variation 2761947 (VCV002761947.3), dbSNP rs2514276340, ClinGen allele CA2697556550.
Genomic context (GRCh38, chr19:38,494,573, plus strand): 5'-CCGTCCTCCGTGGAAGACACCATGAGCCTGCTCGAGTGCCTCGGCCAGATCCGCTCGCTG[CTCATCGTGCAGATGGGCCCCCAGG>C]AGGAGAACCTCATGATCCAGAGCATCGGGTGAGACACCGCCCTTCCCCCTTACTTTGCAT-3'